The following is an entry in ClinVar:

ClinVar aggregate classification (germline): Uncertain significance (1 of 4 stars; one submission).

Submission:

Women's Health and Genetics/Laboratory Corporation of America, LabCorp
Classification: Uncertain significance. Last evaluated: 2025-06-05. Review status: criteria provided, single submitter. Criteria: LabCorp Variant Classification Summary - May 2015. Collection method: clinical testing. Allele origin: germline.
Comment: Variant summary: NDRG1 c.1072_1083del12 (p.Glu358_Arg361del) results in an in-frame deletion that is predicted to remove 4 amino acids from the encoded protein. The variant was absent in 210602 control chromosomes (gnomAD). The available data on variant occurrences in the general population are insufficient to allow any conclusion about variant significance. To our knowledge, no occurrence of c.1072_1083del12 in individuals affected with Charcot-Marie-Tooth disease type 4D and no experimental evidence demonstrating its impact on protein function have been reported. No submitters have cited clinical-significance assessments for this variant to ClinVar. Based on the evidence outlined above, the variant was classified as uncertain significance.

NM_006096.4(NDRG1):c.1072_1083del (p.Glu358_Arg361del)

Gene: NDRG1 (N-myc downstream regulated 1; minus strand). Cytogenetic location: 8q24.22.
Variant type: Deletion.
Coding change: c.1072_1083del on transcript NM_006096.4 (MANE Select); coding-DNA positions 1072 to 1083, 12 bases deleted (GAGGGCACCCGC).
Protein change: p.Glu358_Arg361del.
Genome position (GRCh38, 1-based): chr8:133,238,980-133,238,991, GCGGGTGCCCTC deleted on the plus strand (GAGGGCACCCGC on the coding strand, the reverse complement: NDRG1 is on the minus strand); deleting any 12 consecutive bases within chr8:133,238,980-133,238,993 gives the same sequence; the c. name uses the placement nearest the transcript's 3' end. VCF-style (leftmost placement, unchanged base first): chr8-133238979-TGCGGGTGCCCTC-T. GRCh37 (hg19) VCF-style: chr8-134251222-TGCGGGTGCCCTC-T.
Other names: c.1072_1083del, p.Glu358_Arg361del (NM_001135242.2, NM_001374845.1, NM_001374846.1); c.874_885del, p.Glu292_Arg295del (NM_001258432.2, NM_001374847.1); c.829_840del, p.Glu277_Arg280del (NM_001258433.2); c.1123_1134del, p.Glu375_Arg378del (NM_001374844.1); c.1072_1083del12 (NM_006096.4).
Identifiers: ClinVar variation 3907366 (VCV003907366.1).